The following is an entry in ClinVar:

NM_016734.3(PAX5):c.1169G>A (p.Arg390His)

Gene: PAX5 (paired box 5; minus strand). Cytogenetic location: 9p13.2.
Variant type: single nucleotide variant.
Coding change: c.1169G>A on transcript NM_016734.3 (MANE Select); coding-DNA position 1169, G replaced by A.
Protein change: p.Arg390His; replaces arginine 390 with histidine.
Molecular consequence: missense variant. On other transcripts: non-coding transcript variant (2).
Genome position (GRCh38, 1-based): chr9:36,840,567, C>T on the plus strand (G>A on the coding strand, the complement: PAX5 is on the minus strand). VCF-style: chr9-36840567-C-T. GRCh37 (hg19) VCF-style: chr9-36840564-C-T.
Other names: c.1067G>A, p.Arg356His (NM_001280547.2); c.1082G>A, p.Arg361His (NM_001280548.2); c.937G>A, p.Val313Ile (NM_001280549.2); c.850G>A, p.Val284Ile (NM_001280550.2); c.656G>A, p.Arg219His (NM_001280551.2); c.980G>A, p.Arg327His (NM_001280552.2); c.953G>A, p.Arg318His (NM_001280553.2); c.1040G>A, p.Arg347His (NM_001280554.2); and 2 more; short protein forms R390H, R282H, R327H, V313I, R219H, R356H, R361H, R290H.
Identifiers: ClinVar variation 620603 (VCV000620603.5), dbSNP rs771002648, ClinGen allele CA193142834.
Genomic context (GRCh38, chr9:36,840,567, plus strand): 5'-CTGTCACCCTCAATAGGTGCCATCAGTGTTTGGTGCCCGCCTGGCTCCAAGGGTCAGTGA[C>T]GGTCATAGGCAGTGGCGGCTGCAGGTGGGGCGGCTCCTCGGGCGGCAGCGCTATAATAGT-3'
Protein context (NP_057953.1, residues 380-391): APPAAATAYD[Arg390His]H

ClinVar aggregate classification (germline): Uncertain significance. Review status: criteria provided, single submitter (1 of 4 stars). 2 submissions from 2 submitters: Uncertain significance (1). 1 of the submissions does not count toward it. Last evaluated 2021-01-12.

Conditions:
Leukemia, acute lymphoblastic, susceptibility to, 3 (ALL3). Identifiers: MedGen C3809874, MONDO:0014241, OMIM 615545.

Allele frequency attached by ClinVar (database versions not stated): gnomAD exomes 0.00002; gnomAD 0.00006; TOPMed 0.00006.
gnomAD v4.1: 38 of 1,586,102 alleles (0.0024%); highest among the groups gnomAD compares: African/African-American, 0.008%; no homozygotes.

Submissions (2):

St. Jude Molecular Pathology, St. Jude Children's Research Hospital
Classification: Uncertain significance for Leukemia, acute lymphoblastic, susceptibility to, 3. Last evaluated: 2021-01-12. Review status: criteria provided, single submitter. Criteria: St. Jude Assertion Criteria 2020. Collection method: clinical testing. Allele origin: germline.

Genetic Services Laboratory, University of Chicago
Classification: Uncertain significance. Last evaluated: 2022-05-23. Review status: no assertion criteria provided. Collection method: clinical testing. Allele origin: germline. Affected: no. Not counted in ClinVar's aggregate classification.
Comment: DNA sequence analysis of the PAX5 gene demonstrated a sequence change, c.1169G>A, in exon 10 that results in an amino acid change, p.Arg390His. This sequence change does not appear to have been previously described in individuals with PAX5-related disorders. This sequence change has been described in the gnomAD database in two individuals which corresponds to a population frequency of 0.0008% (dbSNP rs771002648). The p.Arg390His change affects a highly conserved amino acid residue located in a domain of the PAX5 protein that is known to be functional. In-silico pathogenicity prediction tools (SIFT, PolyPhen2, Align GVGD, REVEL) provide contradictory results for the p.Arg390His substitution. Due to insufficient evidences and the lack of functional studies, the clinical significance of the p.Arg390His change remains unknown at this time.